The following is an entry in ClinVar:

NM_002016.2(FLG):c.1823C>A (p.Ser608Ter)

Genes: CCDST (cervical cancer associated DHX9 suppressive transcript; plus strand), FLG (filaggrin; minus strand). Cytogenetic location: 1q21.3.
Variant type: single nucleotide variant.
Coding change: c.1823C>A on transcript NM_002016.2 (MANE Select); coding-DNA position 1823, C replaced by A.
Protein change: p.Ser608Ter; replaces serine 608 with a stop codon.
Molecular consequence: nonsense.
Genome position (GRCh38, 1-based): chr1:152,313,063, G>T on the plus strand (C>A on the coding strand, the complement: FLG is on the minus strand). VCF-style: chr1-152313063-G-T. GRCh37 (hg19) VCF-style: chr1-152285539-G-T.
Other names: short protein forms S608*.
Identifiers: ClinVar variation 2663311 (VCV002663311.2), dbSNP rs1217148619, ClinGen allele CA342094833.

ClinVar aggregate classification (germline): Pathogenic (1 of 4 stars; one submission).

Submission:

GeneDx
Classification: Pathogenic. Last evaluated: 2026-09-29. Review status: criteria provided, single submitter. Criteria: GeneDx Variant Classification Process June 2021. Collection method: clinical testing. Allele origin: germline.
Comment: Nonsense variant predicted to result in protein truncation, as the last 3454 amino acid(s) are lost, and other loss-of-function variants have been reported downstream in HGMD; Not observed at significant frequency in large population cohorts (gnomAD); Has not been previously published as pathogenic or benign to our knowledge; This variant is associated with the following publications: (PMID: 16444271)